The following is an entry in ClinVar:

ClinVar aggregate classification (germline): Likely pathogenic. Review status: reviewed by expert panel (3 of 4 stars). 2 submissions from 2 submitters: Likely pathogenic (1). 1 of the submissions does not count toward it. Last evaluated 2025-10-08.

Conditions:
Deficiency of guanidinoacetate methyltransferase (CCDS2). Also called: Guanidinoacetate Methyltransferase (GAMT) Deficiency; CEREBRAL CREATINE DEFICIENCY SYNDROME 2; GAMT DEFICIENCY. Identifiers: Orphanet 382, MedGen C0574080, MONDO:0012999, OMIM 612736.

Submissions (2):

ClinGen Cerebral Creatine Deficiency Syndromes Variant Curation Expert Panel, ClinGen
Classification: Likely pathogenic for Deficiency of guanidinoacetate methyltransferase. Last evaluated: 2025-10-08. Review status: reviewed by expert panel. Criteria: ClinGen CCDS ACMG Specifications GAMT V2.0.0. Collection method: curation. Allele origin: germline. Inheritance: Autosomal recessive inheritance.
Comment: The NM_000156.6:c.160G>C variant in GAMT is predicted to result in the substitution of alanine by proline at amino acid 54 (p.Ala54Pro). Three probands with clinical symptoms consistent with GAMT deficiency have been reported to be homozygous for this variant. One of these individuals had elevated urinary guanidinoacetate, and GAMT enzymatic activity <0.1 nmol/h/mg in lymphoblasts, with full GAMT gene sequencing performed (PMID: 15108290) (PP4_Strong). This individual harbored the variant in cis with two homozygous variants that have been classified as benign by the ClinGen CCDS VCEP, c.626C>T (p.Thr209Met) (ClinVar ID: 21068) and c.459+71G>A (aka c.460-31G>A, ClinVar ID: 21067). For the other two probands, neither biochemical nor MRS data were available (PMID: 38020815, 39006040); therefore, their data was not included for PM3 (total 0.5 points, PM3_Supporting). The variant is absent in gnomAD v4.1.0. (PM2_Supporting). The computational predictor REVEL gives a score of 0.894 which is in the range of 0.773-0.932, evidence that correlates with impact to GAMT function at the moderate level (PMID: 36413997) (PP3_Moderate). There is a ClinVar entry for this variant (Variation ID: 2446454). In summary, this variant meets the criteria to be classified as likely pathogenic for guanidinoacetate methyltransferase (GAMT) deficiency. GAMT-specific ACMG/AMP criteria applied, as specified by the ClinGen Cerebral Creatine Deficiencies Variant Curation Expert Panel (CCDS VCEP) (Specifications version 2.0.0): PP4_Strong, PP3_Moderate, PM2_Supporting, PM3_Supporting (Classification approved by the ClinGen Cerebral Creatine Deficiencies Variant Curation Expert Panel on October 8, 2025)

3billion
Classification: Likely pathogenic for Deficiency of guanidinoacetate methyltransferase. Last evaluated: 2025-10-23. Review status: criteria provided, single submitter. Criteria: ACMG Guidelines, 2015. Collection method: clinical testing. Allele origin: germline. Affected: yes. Not counted in ClinVar's aggregate classification.
Comment: The variant is not observed in the gnomAD v4.1.0 dataset. Predicted Consequence/Location: Missense variant In silico tool predictions suggest damaging effect of the variant on gene or gene product [REVEL: 0.89 (>=0.6, sensitivity 0.68 and specificity 0.92)]. The same nucleotide change resulting in the same amino acid change has been previously reported as pathogenic/likely pathogenic with strong evidence (ClinVar ID: VCV002446454 /PMID: 15108290). Therefore, this variant is classified as Likely pathogenic according to the recommendation of ACMG/AMP guideline.

Literature cited by the submitters: PubMed 15108290 (cited by 3billion).

NM_000156.6(GAMT):c.160G>C (p.Ala54Pro)

Genes: GAMT (guanidinoacetate N-methyltransferase; minus strand), LOC130062945 (ATAC-STARR-seq lymphoblastoid silent region 9707; plus strand). Cytogenetic location: 19p13.3.
Variant type: single nucleotide variant.
Coding change: c.160G>C on transcript NM_000156.6 (MANE Select); coding-DNA position 160, G replaced by C.
Protein change: p.Ala54Pro; replaces alanine 54 with proline.
Molecular consequence: missense variant.
Genome position (GRCh38, 1-based): chr19:1,401,317, C>G on the plus strand (G>C on the coding strand, the complement: GAMT is on the minus strand). VCF-style: chr19-1401317-C-G. GRCh37 (hg19) VCF-style: chr19-1401316-C-G.
Other names: NM_138924.3:c.160G>C; c.160G>C, p.Ala54Pro (NM_138924.3); short protein forms A54P.
Identifiers: ClinVar variation 2446454 (VCV002446454.3), dbSNP rs1220169908, ClinGen allele CA402998035.